The following is an entry in ClinVar:

ClinVar aggregate classification (germline): Conflicting classifications of pathogenicity. Review status: criteria provided, conflicting classifications (1 of 4 stars). 2 submissions from 2 submitters: Uncertain significance (1); Likely benign (1). Last evaluated 2025-10-16.

Conditions:
Cardiovascular phenotype. Identifiers: MedGen CN230736.
Long QT syndrome (LQTS). Identifiers: MedGen C0023976, MeSH D008133, MONDO:0002442. Disease mechanism: loss of function. Inheritance: Various modes of inheritance.

Submissions (2):

Labcorp Genetics (formerly Invitae), Labcorp
Classification: Uncertain significance for Long QT syndrome. Last evaluated: 2025-10-16. Review status: criteria provided, single submitter. Criteria: Invitae Variant Classification Sherloc (09022015). Collection method: clinical testing. Allele origin: germline.
Comment: This sequence change replaces methionine, which is neutral and non-polar, with arginine, which is basic and polar, at codon 1843 of the AKAP9 protein (p.Met1843Arg). This variant is present in population databases (no rsID available, gnomAD 0.005%). This variant has not been reported in the literature in individuals affected with AKAP9-related conditions. ClinVar contains an entry for this variant (Variation ID: 3516195). An algorithm developed to predict the effect of missense changes on protein structure and function (PolyPhen-2) suggests that this variant is likely to be tolerated. In summary, the available evidence is currently insufficient to determine the role of this variant in disease. Therefore, it has been classified as a Variant of Uncertain Significance.

Ambry Genetics
Classification: Likely benign for Cardiovascular phenotype. Last evaluated: 2024-08-20. Review status: criteria provided, single submitter. Criteria: Ambry Variant Classification Scheme 2023. Collection method: clinical testing. Allele origin: germline.

NM_005751.5(AKAP9):c.5528T>G (p.Met1843Arg)

Gene: AKAP9 (A-kinase anchoring protein 9; plus strand). Cytogenetic location: 7q21.2.
Variant type: single nucleotide variant.
Coding change: c.5528T>G on transcript NM_005751.5 (MANE Select); coding-DNA position 5528, T replaced by G.
Protein change: p.Met1843Arg; replaces methionine 1843 with arginine.
Molecular consequence: missense variant.
Genome position (GRCh38, 1-based): chr7:92,052,885, T>G. VCF-style: chr7-92052885-T-G. GRCh37 (hg19) VCF-style: chr7-91682199-T-G.
Other names: c.5528T>G, p.Met1843Arg (NM_147185.3); short protein forms M1843R.
Identifiers: ClinVar variation 3516195 (VCV003516195.2).